The following is an entry in ClinVar:

NM_032043.3(BRIP1):c.2391dup (p.Arg798fs)

Gene: BRIP1 (BRCA1 interacting DNA helicase 1; minus strand). Cytogenetic location: 17q23.2.
Variant type: Duplication.
Coding change: c.2391dup on transcript NM_032043.3 (MANE Select); coding-DNA position 2391, one base duplicated (A; older notation c.2391dupA).
Protein change: p.Arg798fs; shifts the reading frame from arginine 798.
Molecular consequence: frameshift variant.
Genome position (GRCh38, 1-based): chr17:61,716,052, T duplicated on the plus strand (A on the coding strand, the reverse complement: BRIP1 is on the minus strand); the first of 4 consecutive T bases (chr17:61,716,052-61,716,055); duplicating any one gives the same sequence. VCF-style (leftmost placement, unchanged base first): chr17-61716051-G-GT. GRCh37 (hg19) VCF-style: chr17-59793412-G-GT.
Other names: short protein forms R798fs.
Identifiers: ClinVar variation 2583408 (VCV002583408.5), dbSNP rs2544698040, ClinGen allele CA2582342203.
Genomic context (GRCh38, chr17:61,716,051, plus strand): 5'-CATACCACTGACGGCCAGGTAGAAGACCTCTCAATTTTGAATGGTGGTCATTGTATTGTC[G>GT]TTTTAGTTCAACCTAATAATTTTAAAATATATTTAAAAAATTAGTAGATAATTAAAGCTC-3'

ClinVar aggregate classification (germline): Pathogenic. Review status: criteria provided, multiple submitters, no conflicts (2 of 4 stars). 2 submissions from 2 submitters: Pathogenic (2). Last evaluated 2023-06-06.

Conditions:
Familial cancer of breast. Also called: BREAST CANCER, FAMILIAL; hereditary breast carcinoma; Hereditary breast cancer. Identifiers: Orphanet 227535, MedGen C0346153, MONDO:0016419, OMIM 114480. Disease mechanism: loss of function.
Fanconi anemia complementation group J. Also called: BRIP1-Related Fanconi Anemia. Identifiers: Orphanet 84, MedGen C1836860, MONDO:0012187, OMIM 609054.

Submissions (2):

Myriad Genetics, Inc.
Classification: Pathogenic for Familial cancer of breast. Last evaluated: 2023-06-06. Review status: criteria provided, single submitter. Criteria: Myriad Autosomal Dominant, Autosomal Recessive and X-Linked Classification Criteria (2023). Collection method: clinical testing. Allele origin: unknown.
Comment: This variant is considered pathogenic. This variant creates a frameshift predicted to result in premature protein truncation.

Labcorp Genetics (formerly Invitae), Labcorp
Classification: Pathogenic for Familial cancer of breast; Fanconi anemia complementation group J. Last evaluated: 2022-12-16. Review status: criteria provided, single submitter. Criteria: Invitae Variant Classification Sherloc (09022015). Collection method: clinical testing. Allele origin: germline.
Comment: This sequence change creates a premature translational stop signal (p.Arg798Thrfs*5) in the BRIP1 gene. It is expected to result in an absent or disrupted protein product. Loss-of-function variants in BRIP1 are known to be pathogenic (PMID: 16116423, 17033622, 21964575). This variant is not present in population databases (gnomAD no frequency). This variant has not been reported in the literature in individuals affected with BRIP1-related conditions. For these reasons, this variant has been classified as Pathogenic.

Literature cited by the submitters: PubMed 16116423 (cited by Labcorp Genetics (formerly Invitae), Labcorp); PubMed 17033622 (cited by Labcorp Genetics (formerly Invitae), Labcorp); PubMed 21964575 (cited by Labcorp Genetics (formerly Invitae), Labcorp).